The following is an entry in ClinVar:

NM_004172.5(SLC1A3):c.320-7C>T

Genes: SLC1A3 (solute carrier family 1 member 3; plus strand), SLC1A3-AS1 (SLC1A3 antisense RNA 1; minus strand). Cytogenetic location: 5p13.2.
Variant type: single nucleotide variant.
Coding change: c.320-7C>T on transcript NM_004172.5 (MANE Select); 7 bases into the intron before coding-DNA position 320, C replaced by T.
Molecular consequence: intron variant.
Genome position (GRCh38, 1-based): chr5:36,671,022, C>T. VCF-style: chr5-36671022-C-T. GRCh37 (hg19) VCF-style: chr5-36671124-C-T.
Other names: c.320-7C>T (NM_001166695.3, NM_001289940.2); c.182-7C>T (NM_001289939.2).
Identifiers: ClinVar variation 353311 (VCV000353311.39), dbSNP rs200867287, ClinGen allele CA3235438.

ClinVar aggregate classification (germline): Benign/Likely benign. Review status: criteria provided, multiple submitters, no conflicts (2 of 4 stars). 8 submissions from 8 submitters: Benign (4); Likely benign (1). 3 of the submissions do not count toward it. Last evaluated 2026-07-01.

Conditions:
Episodic ataxia type 6. Identifiers: Orphanet 209967, MedGen C2675211, MONDO:0012982, OMIM 612656.

Allele frequency attached by ClinVar (database versions not stated): ExAC 0.00045; gnomAD exomes 0.00053 and 0.00122; gnomAD 0.00058 and 0.00063; TOPMed 0.00060; ESP Exome Variant Server 0.00100.
gnomAD v4.1: 1,826 of 1,613,358 alleles (0.11%); highest among the groups gnomAD compares: Non-Finnish European, 0.15%; 3 homozygotes.

Submissions (8):

CeGaT Center for Human Genetics Tuebingen
Classification: Benign. Last evaluated: 2026-07-01. Review status: criteria provided, single submitter. Criteria: CeGaT Center For Human Genetics Tuebingen Variant Classification Criteria Version 2. Collection method: clinical testing. Allele origin: germline. Affected: yes. Observed: 2 variant alleles.
Comment: SLC1A3: BP4, BS1, BS2

Labcorp Genetics (formerly Invitae), Labcorp
Classification: Benign. Last evaluated: 2025-08-14. Review status: criteria provided, single submitter. Criteria: Invitae Variant Classification Sherloc (09022015). Collection method: clinical testing. Allele origin: germline.

Blueprint Genetics
Classification: Likely benign. Last evaluated: 2024-11-06. Review status: criteria provided, single submitter. Criteria: ACMG Guidelines, 2015. Collection method: clinical testing. Allele origin: germline.

Illumina Laboratory Services, Illumina
Classification: Benign for Episodic ataxia type 6. Last evaluated: 2018-01-12. Review status: criteria provided, single submitter. Criteria: ICSL Variant Classification Criteria 13 December 2019. Collection method: clinical testing. Allele origin: germline.
Comment: This variant was observed in the ICSL laboratory as part of a predisposition screen in an ostensibly healthy population. It had not been previously curated by ICSL or reported in the Human Gene Mutation Database (HGMD: prior to June 1st, 2018), and was therefore a candidate for classification through an automated scoring system. Utilizing variant allele frequency, disease prevalence and penetrance estimates, and inheritance mode, an automated score was calculated to assess if this variant is too frequent to cause the disease. Based on the score and internal cut-off values, a variant classified as benign is not then subjected to further curation. The score for this variant resulted in a classification of benign for this disease.

Athena Diagnostics
Classification: Benign. Last evaluated: 2016-12-01. Review status: criteria provided, single submitter. Criteria: Athena Diagnostics Criteria. Collection method: clinical testing. Allele origin: germline.

Clinical Genetics DNA and cytogenetics Diagnostics Lab, Erasmus MC, Erasmus Medical Center
Classification: Likely benign. Review status: no assertion criteria provided. Collection method: clinical testing. Allele origin: germline. Affected: yes. Study: VKGL Data-share Consensus. Not counted in ClinVar's aggregate classification.

Genome Diagnostics Laboratory, University Medical Center Utrecht
Classification: Likely benign. Review status: no assertion criteria provided. Collection method: clinical testing. Allele origin: germline. Affected: yes. Study: VKGL Data-share Consensus. Not counted in ClinVar's aggregate classification.

Laboratory of Diagnostic Genome Analysis, Leiden University Medical Center (LUMC)
Classification: Likely benign. Review status: no assertion criteria provided. Collection method: clinical testing. Allele origin: germline. Affected: yes. Study: VKGL Data-share Consensus. Not counted in ClinVar's aggregate classification.